The following is an entry in ClinVar:

ClinVar aggregate classification (germline): Uncertain significance (1 of 4 stars; one submission).

Submission:

GeneDx
Classification: Uncertain significance. Last evaluated: 2023-06-22. Review status: criteria provided, single submitter. Criteria: GeneDx Variant Classification Process June 2021. Collection method: clinical testing. Allele origin: germline. Affected: yes.
Comment: Not observed at significant frequency in large population cohorts (gnomAD); Frameshift variant predicted to result in protein truncation or nonsense mediated decay in a gene for which loss-of-function is not an established mechanism of disease; Has not been previously published as pathogenic or benign to our knowledge; Variants in candidate genes are classified as variants of uncertain significance in accordance with ACMG guidelines (Richards et al., 2015)

NM_032482.3(DOT1L):c.3599_3603del (p.Ile1200fs)

Gene: DOT1L (DOT1 like histone lysine methyltransferase; plus strand). Cytogenetic location: 19p13.3.
Variant type: Deletion.
Coding change: c.3599_3603del on transcript NM_032482.3 (MANE Select); coding-DNA positions 3599 to 3603, 5 bases deleted (TTGAG; older notation c.3599_3603delTTGAG).
Protein change: p.Ile1200fs; shifts the reading frame from isoleucine 1200.
Molecular consequence: frameshift variant.
Genome position (GRCh38, 1-based): chr19:2,225,390-2,225,394, TTGAG deleted. VCF-style (leftmost placement, unchanged base first): chr19-2225389-ATTGAG-A. GRCh37 (hg19) VCF-style: chr19-2225388-ATTGAG-A.
Other names: c.3599_3603del, p.Ile1200fs (NM_001411141.1); short protein forms I1200fs.
Identifiers: ClinVar variation 3360011 (VCV003360011.1).